The following is an entry in ClinVar:

NM_000038.6(APC):c.3789T>G (p.Cys1263Trp)

Gene: APC (APC regulator of Wnt signaling pathway; plus strand). Cytogenetic location: 5q22.2.
Variant type: single nucleotide variant.
Coding change: c.3789T>G on transcript NM_000038.6 (MANE Select); coding-DNA position 3789, T replaced by G.
Protein change: p.Cys1263Trp; replaces cysteine 1263 with tryptophan.
Molecular consequence: missense variant. On other transcripts: non-coding transcript variant (2).
Genome position (GRCh38, 1-based): chr5:112,839,383, T>G. VCF-style: chr5-112839383-T-G. GRCh37 (hg19) VCF-style: chr5-112175080-T-G.
Other names: c.3666T>G, p.Cys1222Trp (NM_001354900.2); c.3612T>G, p.Cys1204Trp (NM_001354901.2, NM_001407453.1); c.3516T>G, p.Cys1172Trp (NM_001354902.2); c.3486T>G, p.Cys1162Trp (NM_001354903.2, NM_001407458.1, NM_001407459.1 and 1 more transcripts); c.3873T>G, p.Cys1291Trp (NM_001407446.1); c.3843T>G, p.Cys1281Trp (NM_001407447.1, NM_001407448.1, NM_001407449.1 and 1 more transcripts); c.2940T>G, p.Cys980Trp (NM_001354906.2, NM_001407470.1); c.3411T>G, p.Cys1137Trp (NM_001354904.2); and 11 more; short protein forms C1103W, C1137W, C1291W, C879W, C980W, C1162W, C1245W, C1253W.
Identifiers: ClinVar variation 2825587 (VCV002825587.3), dbSNP rs2149899055, ClinGen allele CA16029644.

ClinVar aggregate classification (germline): Uncertain significance (1 of 4 stars; one submission).

Conditions:
Familial adenomatous polyposis 1 (FAP1). Also called: POLYPOSIS, ADENOMATOUS INTESTINAL; FAMILIAL ADENOMATOUS POLYPOSIS 1, ATTENUATED. Identifiers: MedGen C2713442, MONDO:0021056, OMIM 175100. Disease mechanism: loss of function.

Submission:

Labcorp Genetics (formerly Invitae), Labcorp
Classification: Uncertain significance for Familial adenomatous polyposis 1. Last evaluated: 2022-12-31. Review status: criteria provided, single submitter. Criteria: Invitae Variant Classification Sherloc (09022015). Collection method: clinical testing. Allele origin: germline.
Comment: This sequence change replaces cysteine, which is neutral and slightly polar, with tryptophan, which is neutral and slightly polar, at codon 1263 of the APC protein (p.Cys1263Trp). This variant is not present in population databases (gnomAD no frequency). This variant has not been reported in the literature in individuals affected with APC-related conditions. Advanced modeling of protein sequence and biophysical properties (such as structural, functional, and spatial information, amino acid conservation, physicochemical variation, residue mobility, and thermodynamic stability) performed at Invitae indicates that this missense variant is not expected to disrupt APC protein function. In summary, the available evidence is currently insufficient to determine the role of this variant in disease. Therefore, it has been classified as a Variant of Uncertain Significance.